The following is an entry in ClinVar:

ClinVar aggregate classification (germline): Uncertain significance (1 of 4 stars; one submission).

Conditions:
Hereditary cancer-predisposing syndrome. Also called: Neoplastic Syndromes, Hereditary; Hereditary Cancer Syndrome; Hereditary neoplastic syndrome; Tumor predisposition. Identifiers: Orphanet 140162, MedGen C0027672, MeSH D009386, MONDO:0015356.

Allele frequency attached by ClinVar (database versions not stated): gnomAD exomes below 0.00001.
gnomAD v4.1: 1 of 1,614,192 alleles (0.000062%); highest among the groups gnomAD compares: Non-Finnish European, 0.000085%; no homozygotes.

Submission:

Ambry Genetics
Classification: Uncertain significance for Hereditary cancer-predisposing syndrome. Last evaluated: 2023-04-27. Review status: criteria provided, single submitter. Criteria: Ambry Variant Classification Scheme 2023. Collection method: clinical testing. Allele origin: germline.
Comment: The p.L660H variant (also known as c.1979T>A), located in coding exon 13 of the BRIP1 gene, results from a T to A substitution at nucleotide position 1979. The leucine at codon 660 is replaced by histidine, an amino acid with similar properties. This amino acid position is conserved. In addition, this alteration is predicted to be deleterious by in silico analysis. Since supporting evidence is limited at this time, the clinical significance of this alteration remains unclear.

NM_032043.3(BRIP1):c.1979T>A (p.Leu660His)

Gene: BRIP1 (BRCA1 interacting DNA helicase 1; minus strand). Cytogenetic location: 17q23.2.
Variant type: single nucleotide variant.
Coding change: c.1979T>A on transcript NM_032043.3 (MANE Select); coding-DNA position 1979, T replaced by A.
Protein change: p.Leu660His; replaces leucine 660 with histidine.
Molecular consequence: missense variant.
Genome position (GRCh38, 1-based): chr17:61,776,519, A>T on the plus strand (T>A on the coding strand, the complement: BRIP1 is on the minus strand). VCF-style: chr17-61776519-A-T. GRCh37 (hg19) VCF-style: chr17-59853880-A-T.
Other names: short protein forms L660H.
Identifiers: ClinVar variation 2564591 (VCV002564591.2), dbSNP rs2544998788, ClinGen allele CA400478489.